The following is an entry in ClinVar:

NC_000003.12:g.169764777G>A

Genes: TERC (telomerase RNA component; minus strand), LOC110806306 (telomerase RNA component (TERC) promoter; plus strand). Cytogenetic location: 3q26.2.
Variant type: single nucleotide variant.
Genome position: GRCh38 VCF-style: chr3-169764777-G-A. GRCh37 (hg19) VCF-style: chr3-169482565-G-A.
Identifiers: ClinVar variation 662725 (VCV000662725.12), dbSNP rs1577384177, ClinGen allele CA436715161.

ClinVar aggregate classification (germline): Uncertain significance. Review status: criteria provided, multiple submitters, no conflicts (2 of 4 stars). 2 submissions from 2 submitters: Uncertain significance (2). Last evaluated 2025-06-02.

Conditions:
Dyskeratosis congenita, autosomal dominant 1 (DKCA1). Also called: Dyskeratosis congenita Scoggins type. Identifiers: Orphanet 1775, MedGen C4551974, MONDO:0007485, OMIM 127550. Inheritance: Variable.

Allele frequency attached by ClinVar (database versions not stated): TOPMed 0.00001.
gnomAD v4.1: 2 of 742,036 alleles (0.00027%); no homozygotes.

Submissions (2):

Labcorp Genetics (formerly Invitae), Labcorp
Classification: Uncertain significance for Dyskeratosis congenita, autosomal dominant 1. Last evaluated: 2025-06-02. Review status: criteria provided, single submitter. Criteria: Invitae Variant Classification Sherloc (09022015). Collection method: clinical testing. Allele origin: germline.
Comment: This variant occurs in the TERC gene, which encodes an RNA molecule that does not result in a protein product. This variant is not present in population databases (gnomAD no frequency). This variant has not been reported in the literature in individuals affected with TERC-related conditions. ClinVar contains an entry for this variant (Variation ID: 662725). This variant is located within the conserved regions 4 and 5 (CR4-CR5) domain of the TERC RNA component, which is required for telomerase activity (PMID: 15082312, 21844345). In summary, the available evidence is currently insufficient to determine the role of this variant in disease. Therefore, it has been classified as a Variant of Uncertain Significance.

Blueprint Genetics
Classification: Uncertain significance. Last evaluated: 2024-10-15. Review status: criteria provided, single submitter. Criteria: ACMG Guidelines, 2015. Collection method: clinical testing. Allele origin: germline.

Literature cited by the submitters: PubMed 15082312 (cited by Labcorp Genetics (formerly Invitae), Labcorp); PubMed 21844345 (cited by Labcorp Genetics (formerly Invitae), Labcorp).